The following is an entry in ClinVar:

NM_000400.4(ERCC2):c.1840T>A (p.Tyr614Asn)

Gene: ERCC2 (ERCC excision repair 2, TFIIH core complex helicase subunit; minus strand). Cytogenetic location: 19q13.32.
Variant type: single nucleotide variant.
Coding change: c.1840T>A on transcript NM_000400.4 (MANE Select); coding-DNA position 1840, T replaced by A.
Protein change: p.Tyr614Asn; replaces tyrosine 614 with asparagine.
Molecular consequence: missense variant.
Genome position (GRCh38, 1-based): chr19:45,352,808, A>T on the plus strand (T>A on the coding strand, the complement: ERCC2 is on the minus strand). VCF-style: chr19-45352808-A-T. GRCh37 (hg19) VCF-style: chr19-45856066-A-T.
Other names: short protein forms Y614N.
Identifiers: ClinVar variation 1781154 (VCV001781154.2), dbSNP rs2514000314, ClinGen allele CA406363933.

ClinVar aggregate classification (germline): Uncertain significance (1 of 4 stars; one submission).

Conditions:
Inborn genetic diseases. Identifiers: MedGen C0950123, MeSH D030342.

Submission:

Ambry Genetics
Classification: Uncertain significance for Inborn genetic diseases. Last evaluated: 2021-12-11. Review status: criteria provided, single submitter. Criteria: Ambry Variant Classification Scheme 2023. Collection method: clinical testing. Allele origin: germline.
Comment: The p.Y614N variant (also known as c.1840T>A), located in coding exon 20 of the ERCC2 gene, results from a T to A substitution at nucleotide position 1840. The tyrosine at codon 614 is replaced by asparagine, an amino acid with dissimilar properties. This amino acid position is conserved. In addition, this alteration is predicted to be deleterious by in silico analysis. Since supporting evidence is limited at this time, the clinical significance of this alteration remains unclear.